The following is an entry in ClinVar:

NM_016464.5(TMEM138):c.307C>T (p.Arg103Cys)

Gene: TMEM138 (transmembrane protein 138; plus strand). Cytogenetic location: 11q12.2.
Variant type: single nucleotide variant.
Coding change: c.307C>T on transcript NM_016464.5 (MANE Select); coding-DNA position 307, C replaced by T.
Protein change: p.Arg103Cys; replaces arginine 103 with cysteine.
Molecular consequence: missense variant. On other transcripts: non-coding transcript variant (1).
Genome position (GRCh38, 1-based): chr11:61,367,929, C>T. VCF-style: chr11-61367929-C-T. GRCh37 (hg19) VCF-style: chr11-61135401-C-T.
Other names: c.133C>T, p.Arg45Cys (NM_001330281.2); c.307C>T (NM_016464.4); short protein forms R45C, R103C.
Identifiers: ClinVar variation 1401571 (VCV001401571.5), dbSNP rs202210746, ClinGen allele CA6034589.

ClinVar aggregate classification (germline): Uncertain significance. Review status: criteria provided, multiple submitters, no conflicts (2 of 4 stars). 3 submissions from 3 submitters: Uncertain significance (3). Last evaluated 2025-04-14.

Conditions:
Joubert syndrome 16 (JBTS16). Identifiers: Orphanet 2318, MedGen C3280906, MONDO:0013764, OMIM 614465.
Inborn genetic diseases. Identifiers: MedGen C0950123, MeSH D030342.

Allele frequency attached by ClinVar (database versions not stated): gnomAD 0.00002 and 0.00005; ExAC 0.00003; TOPMed 0.00004; 1000 Genomes Project 0.00020; 1000 Genomes Project 30x 0.00031.
gnomAD v4.1: 101 of 1,610,648 alleles (0.0063%); highest among the groups gnomAD compares: Admixed American, 0.018%; no homozygotes.

Submissions (3):

Ambry Genetics
Classification: Uncertain significance for Inborn genetic diseases. Last evaluated: 2025-04-14. Review status: criteria provided, single submitter. Criteria: Ambry Variant Classification Scheme 2023. Collection method: clinical testing. Allele origin: germline.

Blueprint Genetics
Classification: Uncertain significance. Last evaluated: 2022-10-07. Review status: criteria provided, single submitter. Criteria: ACMG Guidelines, 2015. Collection method: clinical testing. Allele origin: germline.

Labcorp Genetics (formerly Invitae), Labcorp
Classification: Uncertain significance for Joubert syndrome 16. Last evaluated: 2022-10-05. Review status: criteria provided, single submitter. Criteria: Invitae Variant Classification Sherloc (09022015). Collection method: clinical testing. Allele origin: germline.
Comment: This sequence change replaces arginine, which is basic and polar, with cysteine, which is neutral and slightly polar, at codon 103 of the TMEM138 protein (p.Arg103Cys). This variant is present in population databases (rs202210746, gnomAD 0.03%). This variant has not been reported in the literature in individuals affected with TMEM138-related conditions. ClinVar contains an entry for this variant (Variation ID: 1401571). Algorithms developed to predict the effect of missense changes on protein structure and function are either unavailable or do not agree on the potential impact of this missense change (SIFT: "Deleterious"; PolyPhen-2: "Probably Damaging"; Align-GVGD: "Class C15"). In summary, the available evidence is currently insufficient to determine the role of this variant in disease. Therefore, it has been classified as a Variant of Uncertain Significance.